The following is an entry in ClinVar:

ClinVar aggregate classification (germline): Pathogenic. Review status: reviewed by expert panel (3 of 4 stars). 5 submissions from 5 submitters: Pathogenic (1). 4 of the submissions do not count toward it. Last evaluated 2024-05-14.

Conditions:
ACADVL-related disorder. Also called: ACADVL-related condition.
Very long chain acyl-CoA dehydrogenase deficiency (ACADVLD). Also called: VLCAD Deficiency; Very Long-Chain Acyl-Coenzyme A Dehydrogenase Deficiency. Identifiers: Orphanet 26793, MedGen C3887523, MONDO:0008723, OMIM 201475.

Allele frequency attached by ClinVar (database versions not stated): TOPMed 0.00001; ESP Exome Variant Server 0.00008.
gnomAD v4.1: 5 of 1,613,990 alleles (0.00031%); highest among the groups gnomAD compares: African/African-American, 0.0027%; no homozygotes.

Submissions (5):

ClinGen ACADVL Variant Curation Expert Panel, ClinGen
Classification: Pathogenic for Very long chain acyl-CoA dehydrogenase deficiency. Last evaluated: 2024-05-14. Review status: reviewed by expert panel. Criteria: clingen acadvl acmg specifications v1. Collection method: curation. Allele origin: germline. Inheritance: Autosomal recessive inheritance.
Comment: The c.956C>A (p.Ser319Ter)(NM_000018.3) variant in ACADVL is a nonsense variant predicted to cause a premature stop codon in biologically-relevant-exon 10/20 leading to nonsense mediated decay in a gene in which loss-of-function is an established disease mechanism (PVS1; PMIDs 9973285, 11590124). At least one patient with this variant displayed NBS and follow-up data, which is highly specific for VLCAD deficiency (PP4_supporting, PMID: 27209629). The highest population minor allele frequency in gnomAD v2.1.1 is 0.00006 in the African population, which is lower than the ClinGen ACADVL Variant Curation Expert Panel threshold (<0.001) for PM2_Supporting, meeting this criterion (PM2_Supporting). In summary, this variant meets the criteria to be classified as pathogenic for autosomal recessive very long chain acyl-CoA dehydrogenase (VLCAD) deficiency based on the ACMG/AMP criteria applied, as specified by the ClinGen ACADVL Variant Curation Expert Panel: PVS1, PP4_supporting, PM2_supporting (ACADVL VCEP specifications version 1; approved November 9, 2021).

ARUP Laboratories, Molecular Genetics and Genomics, ARUP Laboratories
Classification: Pathogenic for Very long chain acyl-CoA dehydrogenase deficiency. Last evaluated: 2025-03-27. Review status: criteria provided, single submitter. Criteria: ARUP Molecular Germline Variant Investigation Process 2024. Collection method: clinical testing. Allele origin: germline. Not counted in ClinVar's aggregate classification.
Comment: The ACADVL c.956C>A p.Ser319Ter variant (rs149467828, ClinVar Variation ID: 557676) is reported in the literature in at least one individual affected with very long-chain acyl-coenzyme A dehydrogenase (VLCAD) deficiency (Pena 2016). This variant is only observed on one allele in the Genome Aggregation Database (v2.1.1), indicating it is not a common polymorphism. This variant induces an early termination codon and is predicted to result in a truncated protein or mRNA subject to nonsense-mediated decay. Additionally, several downstream truncating variants have been described in individuals with VLCAD deficiency and are considered pathogenic (Pena 2016). Based on available information, this variant is considered to be pathogenic. References: Pena LD et al. Outcomes and genotype-phenotype correlations in 52 individuals with VLCAD deficiency diagnosed by NBS and enrolled in the IBEM-IS database. Mol Genet Metab. 2016 Aug;118(4):272-81. PMID: 27209629.

PreventionGenetics, part of Exact Sciences
Classification: Likely pathogenic for ACADVL-related condition. Last evaluated: 2023-06-23. Review status: criteria provided, single submitter. Criteria: ACMG Guidelines, 2015. Collection method: clinical testing. Allele origin: germline. Not counted in ClinVar's aggregate classification.
Comment: The ACADVL c.956C>A variant is predicted to result in premature protein termination (p.Ser319*). This variant was reported in the compound heterozygous state in an individual with newborn screening results suggesting very long chain acyl-CoA dehydrogenase deficiency (Pena LD et al. 2016. PubMed ID: 27209629.) This variant is reported in 0.0062% of alleles in individuals of African descent in gnomAD. Nonsense variants in ACADVL are expected to be pathogenic. This variant is interpreted as likely pathogenic.

Labcorp Genetics (formerly Invitae), Labcorp
Classification: Pathogenic for Very long chain acyl-CoA dehydrogenase deficiency. Last evaluated: 2022-10-27. Review status: criteria provided, single submitter. Criteria: Invitae Variant Classification Sherloc (09022015). Collection method: clinical testing. Allele origin: germline. Not counted in ClinVar's aggregate classification.
Comment: For these reasons, this variant has been classified as Pathogenic. ClinVar contains an entry for this variant (Variation ID: 557676). This premature translational stop signal has been observed in individual(s) with a positive newborn screening result for ACADVL-related disease (PMID: 27209629). This variant is present in population databases (rs149467828, gnomAD 0.007%). This sequence change creates a premature translational stop signal (p.Ser319*) in the ACADVL gene. It is expected to result in an absent or disrupted protein product. Loss-of-function variants in ACADVL are known to be pathogenic (PMID: 9973285, 11590124).

Counsyl
Classification: Likely pathogenic for Very long chain acyl-CoA dehydrogenase deficiency. Last evaluated: 2018-04-12. Review status: no assertion criteria provided. Collection method: clinical testing. Allele origin: unknown. Not counted in ClinVar's aggregate classification.

Literature cited by the submitters: PubMed 27209629 (cited by Labcorp Genetics (formerly Invitae), Labcorp and Counsyl); PubMed 9973285 (cited by Labcorp Genetics (formerly Invitae), Labcorp); PubMed 11590124 (cited by Labcorp Genetics (formerly Invitae), Labcorp); PubMed 25087612 (cited by Counsyl).

NM_000018.4(ACADVL):c.956C>A (p.Ser319Ter)

Gene: ACADVL (acyl-CoA dehydrogenase very long chain; plus strand). Cytogenetic location: 17p13.1.
Variant type: single nucleotide variant.
Coding change: c.956C>A on transcript NM_000018.4 (MANE Select); coding-DNA position 956, C replaced by A.
Protein change: p.Ser319Ter; replaces serine 319 with a stop codon.
Molecular consequence: nonsense.
Genome position (GRCh38, 1-based): chr17:7,222,744, C>A. VCF-style: chr17-7222744-C-A. GRCh37 (hg19) VCF-style: chr17-7126063-C-A.
Other names: NM_000018.4(ACADVL):c.956C>A; p.Ser319Ter; c.890C>A, p.Ser297Ter (NM_001033859.3); c.1025C>A, p.Ser342Ter (NM_001270447.2); c.728C>A, p.Ser243Ter (NM_001270448.2); short protein forms S319*, S342*, S297*, S243*.
Identifiers: ClinVar variation 557676 (VCV000557676.20), dbSNP rs149467828, ClinGen allele CA8337912.